The following is an entry in ClinVar:

ClinVar aggregate classification (germline): Likely benign (0 of 4 stars; one submission).

Conditions:
NOTCH2-related disorder. Also called: NOTCH2-related condition.

Allele frequency attached by ClinVar (database versions not stated): gnomAD exomes below 0.00001.
gnomAD v4.1: 1 of 1,605,910 alleles (0.000062%); highest among the groups gnomAD compares: Non-Finnish European, 0.000085%; no homozygotes.

Submission:

PreventionGenetics, part of Exact Sciences
Classification: Likely benign for NOTCH2-related condition. Last evaluated: 2021-12-24. Review status: no assertion criteria provided. Collection method: clinical testing. Allele origin: germline.
Comment: This variant is classified as likely benign based on ACMG/AMP sequence variant interpretation guidelines (Richards et al. 2015 PMID: 25741868, with internal and published modifications).

NM_024408.4(NOTCH2):c.3900C>T (p.His1300=)

Gene: NOTCH2 (notch receptor 2; minus strand). Cytogenetic location: 1p12.
Variant type: single nucleotide variant.
Coding change: c.3900C>T on transcript NM_024408.4 (MANE Select); coding-DNA position 3900, C replaced by T.
Protein change: p.His1300=; no amino-acid change (histidine 1300 retained).
Molecular consequence: synonymous variant.
Genome position (GRCh38, 1-based): chr1:119,926,604, G>A on the plus strand (C>T on the coding strand, the complement: NOTCH2 is on the minus strand). VCF-style: chr1-119926604-G-A. GRCh37 (hg19) VCF-style: chr1-120469227-G-A.
Identifiers: ClinVar variation 3058584 (VCV003058584.2), dbSNP rs1248742550, ClinGen allele CA420038921.